The following is an entry in ClinVar:

ClinVar aggregate classification (germline): Pathogenic. Review status: criteria provided, single submitter (1 of 4 stars). 2 submissions from 2 submitters: Pathogenic (1). 1 of the submissions does not count toward it. Last evaluated 2021-10-02.

Conditions:
Coffin-Siris syndrome 1 (CSS1). Also called: Mental retardation, autosomal dominant 12; ARID1B-Related Coffin-Siris Syndrome. Identifiers: Orphanet 1465, MedGen C3281201, MONDO:0007617, OMIM 135900. Disease mechanism: gain of function.
Medulloblastoma (MDB). Also called: MEDULLOBLASTOMA PREDISPOSITION SYNDROME; Medulloblastoma, somatic. Identifiers: Orphanet 616, MedGen C0025149, MeSH D008527, MONDO:0007959, OMIM 155255, HP:0002885.

Submissions (2):

3billion
Classification: Pathogenic for Coffin-Siris syndrome 1. Last evaluated: 2021-10-02. Review status: criteria provided, single submitter. Criteria: ACMG Guidelines, 2015. Collection method: clinical testing. Allele origin: germline. Affected: yes. Observed: 1 heterozygote.
Comment: Canonical splice site: predicted to alter splicing and result in a loss or disruption of normal protein function through nonsense-mediated decay (NMD) or protein truncation. Multiple pathogenic variants are reported downstream of the variant (PVS1_VS). The variant was observed as assumed (i.e. paternity and maternity not confirmed) de novoo (3billion dataset, PM6). It is not observed in the gnomAD v2.1.1 dataset (PM2). Patient's phenotype is considered compatible with Coffin-Siris Syndrome 1 (3billion dataset, PP4). Therefore, this variant is classified as pathogenic according to the recommendation of ACMG/AMP guideline.

Donald Williams Parsons Laboratory, Baylor College of Medicine
Classification: other for MEDULLOBLASTOMA. Last evaluated: 2016-05-01. Review status: no assertion criteria provided. Collection method: clinical testing. Allele origin: somatic. Inheritance: Somatic mutation. Affected: yes. Study: CSER-BASIC3. Not counted in ClinVar's aggregate classification.

Literature cited by the submitters: PubMed 26822237 (cited by Donald Williams Parsons Laboratory, Baylor College of Medicine).

NM_001374828.1(ARID1B):c.3714+1G>A

Gene: ARID1B (AT-rich interaction domain 1B; plus strand). Cytogenetic location: 6q25.3.
Variant type: single nucleotide variant.
Coding change: c.3714+1G>A on transcript NM_001374828.1 (MANE Select); the canonical splice donor site of the intron after coding-DNA position 3714, G replaced by A.
Molecular consequence: splice donor variant.
Genome position (GRCh38, 1-based): chr6:157,181,179, G>A. VCF-style: chr6-157181179-G-A. GRCh37 (hg19) VCF-style: chr6-157502313-G-A.
Other names: c.3465+1G>A (NM_001346813.1); c.3594+1G>A (NM_001371656.1, NM_001374820.1); c.3555+1G>A (NM_017519.3); c.1215+1G>A (NM_001363725.2).
Identifiers: ClinVar variation 438752 (VCV000438752.2), dbSNP rs1554231278, ClinGen allele CA366228581.